The following is an entry in ClinVar:

NM_000038.6(APC):c.3035_3037delinsT (p.Asn1012fs)

Gene: APC (APC regulator of Wnt signaling pathway; plus strand). Cytogenetic location: 5q22.2.
Variant type: Indel.
Coding change: c.3035_3037delinsT on transcript NM_000038.6 (MANE Select); coding-DNA positions 3035 to 3037, ATC replaced by T.
Protein change: p.Asn1012fs; shifts the reading frame from asparagine 1012.
Molecular consequence: frameshift variant.
Genome position (GRCh38, 1-based): chr5:112,838,629-112,838,631, ATC replaced by T. VCF-style: chr5-112838629-ATC-T. GRCh37 (hg19) VCF-style: chr5-112174326-ATC-T.
Other names: c.3035_3037delinsT, p.Asn1012fs (NM_001127510.3, NM_001354895.2); c.2981_2983delinsT, p.Asn994fs (NM_001127511.3); c.3089_3091delinsT, p.Asn1030fs (NM_001354896.2); c.3065_3067delinsT, p.Asn1022fs (NM_001354897.2); c.2960_2962delinsT, p.Asn987fs (NM_001354898.2); c.2951_2953delinsT, p.Asn984fs (NM_001354899.2); c.2912_2914delinsT, p.Asn971fs (NM_001354900.2); c.2858_2860delinsT, p.Asn953fs (NM_001354901.2); and 5 more; short protein forms N1022fs, N729fs, N886fs, N953fs, N1012fs, N1030fs, N911fs, N987fs.
Identifiers: ClinVar variation 495358 (VCV000495358.1), dbSNP rs1554084650, ClinGen allele CA658683400.
Genomic context (GRCh38, chr5:112,838,629, plus strand): 5'-GTAAGTTTTGCAGTTATGGTCAATACCCAGCCGACCTAGCCCATAAAATACATAGTGCAA[ATC>T]ATATGGATGATAATGATGGAGAACTAGATACACCAATAAATTATAGTCTTAAATATTCAG-3'

ClinVar aggregate classification (germline): Likely pathogenic (1 of 4 stars; one submission).

Conditions:
Familial multiple polyposis syndrome (FAP). Also called: Familial adenomatous polyposis; Familial Adenomatous Polyposis (FAP); Familial intestinal polyposis; Familial polyposis; Classic familial adenomatous polyposis. Identifiers: Orphanet 733, MedGen C0032580, MONDO:0021055. Disease mechanism: loss of function.

Submission:

Women's Health and Genetics/Laboratory Corporation of America, LabCorp
Classification: Likely pathogenic for Familial multiple polyposis syndrome. Last evaluated: 2017-08-21. Review status: criteria provided, single submitter. Criteria: LabCorp Variant Classification Summary - May 2015. Collection method: clinical testing. Allele origin: germline.
Comment: Variant summary: The APC c.3035_3037delinsT (p.Asn1012Ilefs) variant results in a premature termination codon, predicted to cause a truncated or absent APC protein due to nonsense mediated decay, which are commonly known mechanisms for disease. Truncations downstream of this position have been classified as pathogenic by our laboratory (e.g. c.3183_3187delACAAA (p.Gln1062X), and c.3927_3931delAAAGA (p.Glu1309fs)). This variant is absent in 121248 control chromosomes. The variant of interest has not, to our knowledge, been reported in affected individuals via publications and/or reputable databases/clinical diagnostic laboratories; nor evaluated for functional impact by in vivo/vitro studies. Taken together, this variant is classified as likely pathogenic.